The following is an entry in ClinVar:

NM_000051.4(ATM):c.5678C>T (p.Ser1893Leu)

Gene: ATM (ATM serine/threonine kinase; plus strand). Cytogenetic location: 11q22.3.
Variant type: single nucleotide variant.
Coding change: c.5678C>T on transcript NM_000051.4 (MANE Select); coding-DNA position 5678, C replaced by T.
Protein change: p.Ser1893Leu; replaces serine 1893 with leucine.
Molecular consequence: missense variant.
Genome position (GRCh38, 1-based): chr11:108,307,900, C>T. VCF-style: chr11-108307900-C-T. GRCh37 (hg19) VCF-style: chr11-108178627-C-T.
Other names: c.5678C>T, p.Ser1893Leu (NM_001351834.2); short protein forms S1893L.
Identifiers: ClinVar variation 1720606 (VCV001720606.8), dbSNP rs2135975734, ClinGen allele CA382547732.
Genomic context (GRCh38, chr11:108,307,900, plus strand): 5'-AAGAAGGTGTGTAAGCAAGAATGCCTGGGACTGAGGGGAGATATTTTTGTTTGTCAGAGT[C>T]AGAGCACTTTTTCCGATGCTGTTTGGATAAAAAATCACAAAGAACAATGCTTGCTGTTGT-3'
Protein context (NP_000042.3, residues 1883-1903): STTPANLDSE[Ser1893Leu]EHFFRCCLDK

ClinVar aggregate classification (germline): Uncertain significance. Review status: criteria provided, multiple submitters, no conflicts (2 of 4 stars). 2 submissions from 2 submitters: Uncertain significance (2). Last evaluated 2022-09-28.

Conditions:
Hereditary cancer-predisposing syndrome. Also called: Hereditary neoplastic syndrome; Tumor predisposition; Neoplastic Syndromes, Hereditary; Hereditary Cancer Syndrome. Identifiers: Orphanet 140162, MedGen C0027672, MeSH D009386, MONDO:0015356.
Ataxia-telangiectasia syndrome (AT). Also called: Cerebello-oculocutaneous telangiectasia; ATAXIA-TELANGIECTASIA, COMPLEMENTATION GROUP A; ATAXIA-TELANGIECTASIA, FRESNO VARIANT; Ataxia-telangiectasia, complementation group D; AT, COMPLEMENTATION GROUP C; Immunodeficiency with ataxia telangiectasia. Identifiers: Orphanet 100, MedGen C0004135, MONDO:0008840, OMIM 208900.

Submissions (2):

Labcorp Genetics (formerly Invitae), Labcorp
Classification: Uncertain significance for Ataxia-telangiectasia syndrome. Last evaluated: 2022-09-28. Review status: criteria provided, single submitter. Criteria: Invitae Variant Classification Sherloc (09022015). Collection method: clinical testing. Allele origin: germline.
Comment: This variant is not present in population databases (gnomAD no frequency). This sequence change replaces serine, which is neutral and polar, with leucine, which is neutral and non-polar, at codon 1893 of the ATM protein (p.Ser1893Leu). This variant has not been reported in the literature in individuals affected with ATM-related conditions. Algorithms developed to predict the effect of missense changes on protein structure and function are either unavailable or do not agree on the potential impact of this missense change (SIFT: "Deleterious"; PolyPhen-2: "Benign"; Align-GVGD: "Class C0"). In summary, the available evidence is currently insufficient to determine the role of this variant in disease. Therefore, it has been classified as a Variant of Uncertain Significance.

Ambry Genetics
Classification: Uncertain significance for Hereditary cancer-predisposing syndrome. Last evaluated: 2015-12-23. Review status: criteria provided, single submitter. Criteria: Ambry Variant Classification Scheme 2023. Collection method: clinical testing. Allele origin: germline.
Comment: The p.S1893L variant (also known as c.5678C>T), located in coding exon 37 of the ATM gene, results from a C to T substitution at nucleotide position 5678. The serine at codon 1893 is replaced by leucine, an amino acid with dissimilar properties. This variant was not reported in population based cohorts in the following databases: Database of Single Nucleotide Polymorphisms (dbSNP), NHLBI Exome Sequencing Project (ESP), and 1000 Genomes Project. In the ESP, this variant was not observed in 6499 samples (12998 alleles) with coverage at this position. To date, this alteration has been detected with an allele frequency of approximately 0.001% (greater than 125000 alleles tested) in our clinical cohort. This amino acid position is well conserved in available vertebrate species. In addition, this alteration is predicted to be tolerated by in silico analysis. Since supporting evidence is limited at this time, the clinical significance of p.S1893L remains unclear.